The following is an entry in ClinVar:

NM_002615.7(SERPINF1):c.694T>C (p.Tyr232His)

Gene: SERPINF1 (serpin family F member 1; plus strand). Cytogenetic location: 17p13.3.
Variant type: single nucleotide variant.
Coding change: c.694T>C on transcript NM_002615.7 (MANE Select); coding-DNA position 694, T replaced by C.
Protein change: p.Tyr232His; replaces tyrosine 232 with histidine.
Molecular consequence: missense variant.
Genome position (GRCh38, 1-based): chr17:1,775,108, T>C. VCF-style: chr17-1775108-T-C. GRCh37 (hg19) VCF-style: chr17-1678402-T-C.
Other names: c.694T>C, p.Tyr232His (NM_001329903.2); c.133T>C, p.Tyr45His (NM_001329904.2, NM_001329905.2); short protein forms Y232H, Y45H.
Identifiers: ClinVar variation 1415161 (VCV001415161.6), dbSNP rs2151211630, ClinGen allele CA397588876.
Genomic context (GRCh38, chr17:1,775,108, plus strand): 5'-TTCTTTCCAGGGCAGTGGGTAACAAAGTTTGACTCCAGAAAGACTTCCCTCGAGGATTTC[T>C]ACTTGGATGAAGAGAGGACCGTGAGGGTCCCCATGATGTCGGACCCTAAGGCTGTTTTAC-3'
Protein context (NP_002606.3, residues 222-242): DSRKTSLEDF[Tyr232His]LDEERTVRVP

ClinVar aggregate classification (germline): Uncertain significance (1 of 4 stars; one submission).

gnomAD v4.1: 55 of 1,614,130 alleles (0.0034%); highest among the groups gnomAD compares: Non-Finnish European, 0.0046%; no homozygotes.

Submission:

Labcorp Genetics (formerly Invitae), Labcorp
Classification: Uncertain significance. Last evaluated: 2021-02-05. Review status: criteria provided, single submitter. Criteria: Invitae Variant Classification Sherloc (09022015). Collection method: clinical testing. Allele origin: germline.
Comment: In summary, the available evidence is currently insufficient to determine the role of this variant in disease. Therefore, it has been classified as a Variant of Uncertain Significance. Algorithms developed to predict the effect of missense changes on protein structure and function output the following: SIFT: "Not Available"; PolyPhen-2: "Benign"; Align-GVGD: "Not Available". The histidine amino acid residue is found in multiple mammalian species, suggesting that this missense change does not adversely affect protein function. These predictions have not been confirmed by published functional studies and their clinical significance is uncertain. This variant has not been reported in the literature in individuals with SERPINF1-related conditions. This variant is not present in population databases (ExAC no frequency). This sequence change replaces tyrosine with histidine at codon 232 of the SERPINF1 protein (p.Tyr232His). The tyrosine residue is weakly conserved and there is a moderate physicochemical difference between tyrosine and histidine.